The following is an entry in ClinVar:

NM_000939.4(POMC):c.641A>G (p.Glu214Gly)

Gene: POMC (proopiomelanocortin; minus strand). Cytogenetic location: 2p23.3.
Variant type: single nucleotide variant.
Coding change: c.641A>G on transcript NM_000939.4 (MANE Select); coding-DNA position 641, A replaced by G.
Protein change: p.Glu214Gly; replaces glutamic acid 214 with glycine.
Molecular consequence: missense variant.
Genome position (GRCh38, 1-based): chr2:25,161,244, T>C on the plus strand (A>G on the coding strand, the complement: POMC is on the minus strand). VCF-style: chr2-25161244-T-C. GRCh37 (hg19) VCF-style: chr2-25384113-T-C.
Other names: c.641A>G, p.Glu214Gly (NM_001035256.3, NM_001319204.2, NM_001319205.2); c.641A>G (NM_000939.3); short protein forms E214G.
Identifiers: ClinVar variation 211936 (VCV000211936.49), dbSNP rs80326661, ClinGen allele CA205065.
Genomic context (GRCh38, chr2:25,161,244, plus strand): 5'-TCCTTGGGCGGGCTGCCCCAGCGGAAGTGCTCCATCCTGTAGGGGCCCTCGTCCTTCTTC[T>C]CGGCCGCCACCAGCAGGCTGTGCTCCAGGTCGGCCTGGGCCCCTGCGCCGTCATCGGCAG-3'
Protein context (NP_000930.1, residues 204-224): DLEHSLLVAA[Glu214Gly]KKDEGPYRME

ClinVar aggregate classification (germline): Conflicting classifications of pathogenicity. Review status: criteria provided, conflicting classifications (1 of 4 stars). 8 submissions from 8 submitters: Uncertain significance (1); Likely benign (6). 1 of the submissions does not count toward it. Last evaluated 2026-10-01.

Conditions:
POMC-related disorder. Also called: POMC-related disorders; POMC-related condition.
Obesity. Also called: Obesity disorder. Identifiers: Orphanet 71529, MedGen C0028754, MeSH D009765, MONDO:0011122, HP:0001513.

Allele frequency attached by ClinVar (database versions not stated): 1000 Genomes Project 30x 0.00125; 1000 Genomes Project 0.00140; TOPMed 0.00411; ESP Exome Variant Server 0.00523; gnomAD 0.00529 and 0.00552; gnomAD exomes 0.00542 and 0.00707; ExAC 0.00581.
gnomAD v4.1: 10,947 of 1,611,820 alleles (0.68%); highest among the groups gnomAD compares: Non-Finnish European, 0.82%; 45 homozygotes.

Submissions (8):

CeGaT Center for Human Genetics Tuebingen
Classification: Likely benign. Last evaluated: 2026-10-01. Review status: criteria provided, single submitter. Criteria: CeGaT Center For Human Genetics Tuebingen Variant Classification Criteria Version 2. Collection method: clinical testing. Allele origin: germline. Affected: yes. Observed: 12 variant alleles.
Comment: POMC: BS2

Labcorp Genetics (formerly Invitae), Labcorp
Classification: Likely benign. Last evaluated: 2026-01-26. Review status: criteria provided, single submitter. Criteria: Invitae Variant Classification Sherloc (09022015). Collection method: clinical testing. Allele origin: germline.

Blueprint Genetics
Classification: Likely benign. Last evaluated: 2024-11-26. Review status: criteria provided, single submitter. Criteria: ACMG Guidelines, 2015. Collection method: clinical testing. Allele origin: germline.

GeneDx
Classification: Uncertain significance. Last evaluated: 2024-03-04. Review status: criteria provided, single submitter. Criteria: GeneDx Variant Classification Process June 2021. Collection method: clinical testing. Allele origin: germline. Affected: yes.
Comment: Identified in patients with obesity in published literature, although the variant did not segregate with disease in one family and was also found at a higher frequency in controls in another study (also reported as p.(Glu188Gly) using alternate nomenclature; PMID: 9768693, 12068494, 24890885, 29970488); In silico analysis supports that this missense variant has a deleterious effect on protein structure/function; This variant is associated with the following publications: (PMID: 29970488, 9768693, 12068494, 24890885)

Genetic Services Laboratory, University of Chicago
Classification: Likely benign. Last evaluated: 2019-11-25. Review status: criteria provided, single submitter. Criteria: ACMG Guidelines, 2015. Collection method: clinical testing. Allele origin: germline. Affected: no.

Illumina Laboratory Services, Illumina
Classification: Likely benign for Inherited obesity. Last evaluated: 2017-04-27. Review status: criteria provided, single submitter. Criteria: ICSL Variant Classification Criteria 13 December 2019. Collection method: clinical testing. Allele origin: germline.
Comment: This variant was observed as part of a predisposition screen in an ostensibly healthy population. A literature search was performed for the gene, cDNA change, and amino acid change (where applicable). Publications were found based on this search. The evidence from the literature, in combination with allele frequency data from public databases where available, was sufficient to determine this variant is unlikely to cause disease. Therefore, this variant is classified as likely benign.

Breakthrough Genomics
Classification: Likely benign. Review status: criteria provided, single submitter. Criteria: ACMG Guidelines, 2015. Collection method: not provided. Allele origin: germline. Inheritance: Autosomal recessive inheritance. Affected: yes.

PreventionGenetics, part of Exact Sciences
Classification: Likely benign for POMC-related condition. Last evaluated: 2023-12-21. Review status: no assertion criteria provided. Collection method: clinical testing. Allele origin: germline. Not counted in ClinVar's aggregate classification.
Comment: This variant is classified as likely benign based on ACMG/AMP sequence variant interpretation guidelines (Richards et al. 2015 PMID: 25741868, with internal and published modifications).

Literature cited by the submitters: PubMed 16459314 (cited by Illumina Laboratory Services, Illumina); PubMed 9768693 (cited by Illumina Laboratory Services, Illumina); PubMed 18091355 (cited by Illumina Laboratory Services, Illumina).